The following is an entry in ClinVar:

NM_006415.4(SPTLC1):c.1012T>A (p.Ser338Thr)

Gene: SPTLC1 (serine palmitoyltransferase long chain base subunit 1; minus strand). Cytogenetic location: 9q22.31.
Variant type: single nucleotide variant.
Coding change: c.1012T>A on transcript NM_006415.4 (MANE Select); coding-DNA position 1012, T replaced by A.
Protein change: p.Ser338Thr; replaces serine 338 with threonine.
Molecular consequence: missense variant.
Genome position (GRCh38, 1-based): chr9:92,047,241, A>T on the plus strand (T>A on the coding strand, the complement: SPTLC1 is on the minus strand). VCF-style: chr9-92047241-A-T. GRCh37 (hg19) VCF-style: chr9-94809523-A-T.
Other names: c.1012T>A, p.Ser338Thr (NM_001281303.2); c.646T>A, p.Ser216Thr (NM_001368272.1); c.547T>A, p.Ser183Thr (NM_001368273.1); short protein forms S338T, S216T, S183T.
Identifiers: ClinVar variation 456599 (VCV000456599.11), dbSNP rs1554706430, ClinGen allele CA373792554.

ClinVar aggregate classification (germline): Conflicting classifications of pathogenicity. Review status: criteria provided, conflicting classifications (1 of 4 stars). 2 submissions from 2 submitters: Likely pathogenic (1); Uncertain significance (1). Last evaluated 2024-12-02.

Conditions:
Hereditary sensory and autonomic neuropathy type 1 (HSAN1). Also called: HSAN 1; Hereditary Sensory Neuropathy Type I; HSN Type I. Identifiers: Orphanet 36386, MedGen C0020071, MONDO:0018213.
Inborn genetic diseases. Identifiers: MedGen C0950123, MeSH D030342.

Submissions (2):

Labcorp Genetics (formerly Invitae), Labcorp
Classification: Likely pathogenic for Hereditary sensory and autonomic neuropathy type 1. Last evaluated: 2024-12-02. Review status: criteria provided, single submitter. Criteria: Invitae Variant Classification Sherloc (09022015). Collection method: clinical testing. Allele origin: germline.
Comment: This sequence change replaces serine, which is neutral and polar, with threonine, which is neutral and polar, at codon 338 of the SPTLC1 protein (p.Ser338Thr). This variant is not present in population databases (gnomAD no frequency). This missense change has been observed in individuals with clinical features of hereditary sensory neuropathy (internal data). ClinVar contains an entry for this variant (Variation ID: 456599). Invitae Evidence Modeling of protein sequence and biophysical properties (such as structural, functional, and spatial information, amino acid conservation, physicochemical variation, residue mobility, and thermodynamic stability) has been performed for this missense variant. However, the output from this modeling did not meet the statistical confidence thresholds required to predict the impact of this variant on SPTLC1 protein function. In summary, the currently available evidence indicates that the variant is pathogenic, but additional data are needed to prove that conclusively. Therefore, this variant has been classified as Likely Pathogenic.

Ambry Genetics
Classification: Uncertain significance for Inborn genetic diseases. Last evaluated: 2022-07-29. Review status: criteria provided, single submitter. Criteria: Ambry Variant Classification Scheme 2023. Collection method: clinical testing. Allele origin: germline.
Comment: The p.S338T variant (also known as c.1012T>A), located in coding exon 11 of the SPTLC1 gene, results from a T to A substitution at nucleotide position 1012. The serine at codon 338 is replaced by threonine, an amino acid with similar properties. This amino acid position is conserved. In addition, this alteration is predicted to be deleterious by in silico analysis. Since supporting evidence is limited at this time, the clinical significance of this alteration remains unclear.